The following is an entry in ClinVar:

NM_145045.5(ODAD3):c.568C>G (p.Leu190Val)

Gene: ODAD3 (outer dynein arm docking complex subunit 3; minus strand). Cytogenetic location: 19p13.2.
Variant type: single nucleotide variant.
Coding change: c.568C>G on transcript NM_145045.5 (MANE Select); coding-DNA position 568, C replaced by G.
Protein change: p.Leu190Val; replaces leucine 190 with valine.
Molecular consequence: missense variant.
Genome position (GRCh38, 1-based): chr19:11,426,917, G>C on the plus strand (C>G on the coding strand, the complement: ODAD3 is on the minus strand). VCF-style: chr19-11426917-G-C. GRCh37 (hg19) VCF-style: chr19-11537737-G-C.
Other names: c.406C>G, p.Leu136Val (NM_001302453.1); c.490C>G, p.Leu164Val (NM_001302454.2); short protein forms L136V, L164V, L190V.
Identifiers: ClinVar variation 977600 (VCV000977600.5), dbSNP rs770832815, ClinGen allele CA9212364.

ClinVar aggregate classification (germline): Uncertain significance. Review status: criteria provided, multiple submitters, no conflicts (2 of 4 stars). 2 submissions from 2 submitters: Uncertain significance (2). Last evaluated 2021-10-09.

Conditions:
Primary ciliary dyskinesia. Also called: Ciliary dyskinesia. Identifiers: Orphanet 244, MedGen C0008780, MONDO:0016575, HP:0012265.
Primary ciliary dyskinesia 30. Also called: CILIARY DYSKINESIA, PRIMARY, 30, WITH OR WITHOUT SITUS INVERSUS. Identifiers: Orphanet 244, MedGen C4015016, MONDO:0014465, OMIM 616037.

Allele frequency attached by ClinVar (database versions not stated): ExAC 0.00001; gnomAD exomes 0.00001 and 0.00002; gnomAD 0.00003 and 0.00004; TOPMed 0.00003.
gnomAD v4.1: 15 of 1,609,762 alleles (0.00093%); highest among the groups gnomAD compares: Admixed American, 0.01%; no homozygotes.

Submissions (2):

Labcorp Genetics (formerly Invitae), Labcorp
Classification: Uncertain significance for Primary ciliary dyskinesia 30. Last evaluated: 2021-10-09. Review status: criteria provided, single submitter. Criteria: Invitae Variant Classification Sherloc (09022015). Collection method: clinical testing. Allele origin: germline.
Comment: This sequence change replaces leucine with valine at codon 190 of the CCDC151 protein (p.Leu190Val). The leucine residue is moderately conserved and there is a small physicochemical difference between leucine and valine. This variant is present in population databases (rs770832815, ExAC 0.01%). This variant has not been reported in the literature in individuals affected with CCDC151-related conditions. ClinVar contains an entry for this variant (Variation ID: 977600). Algorithms developed to predict the effect of missense changes on protein structure and function (SIFT, PolyPhen-2, Align-GVGD) all suggest that this variant is likely to be tolerated. In summary, the available evidence is currently insufficient to determine the role of this variant in disease. Therefore, it has been classified as a Variant of Uncertain Significance.

UNC Molecular Genetics  Laboratory, University of North Carolina at Chapel Hill
Classification: Uncertain significance for Primary ciliary dyskinesia. Last evaluated: 2019-05-08. Review status: criteria provided, single submitter. Criteria: ACMG Guidelines, 2015. Collection method: clinical testing. Allele origin: germline. Observed: 1 heterozygote.